The following is an entry in ClinVar:

ClinVar aggregate classification (germline): Likely benign (0 of 4 stars; one submission).

Conditions:
PKD1-related disorder. Also called: PKD1-related condition.

Allele frequency attached by ClinVar (database versions not stated): ExAC 0.00001; TOPMed 0.00003.
gnomAD v4.1: 31 of 1,610,536 alleles (0.0019%); highest among the groups gnomAD compares: East Asian, 0.038%; no homozygotes.

Submission:

PreventionGenetics, part of Exact Sciences
Classification: Likely benign for PKD1-related condition. Last evaluated: 2022-11-28. Review status: no assertion criteria provided. Collection method: clinical testing. Allele origin: germline.
Comment: This variant is classified as likely benign based on ACMG/AMP sequence variant interpretation guidelines (Richards et al. 2015 PMID: 25741868, with internal and published modifications).

NM_001009944.3(PKD1):c.4104G>A (p.Ala1368=)

Gene: PKD1 (polycystin 1, transient receptor potential channel interacting; minus strand). Cytogenetic location: 16p13.3.
Variant type: single nucleotide variant.
Coding change: c.4104G>A on transcript NM_001009944.3 (MANE Select); coding-DNA position 4104, G replaced by A.
Protein change: p.Ala1368=; no amino-acid change (alanine 1368 retained).
Molecular consequence: synonymous variant.
Genome position (GRCh38, 1-based): chr16:2,111,063, C>T on the plus strand (G>A on the coding strand, the complement: PKD1 is on the minus strand). VCF-style: chr16-2111063-C-T. GRCh37 (hg19) VCF-style: chr16-2161064-C-T.
Other names: c.4104G>A, p.Ala1368= (NM_000296.4).
Identifiers: ClinVar variation 3032776 (VCV003032776.2), dbSNP rs745896866, ClinGen allele CA7832488.